The following is an entry in ClinVar:

ClinVar aggregate classification (germline): Uncertain significance (1 of 4 stars; one submission).

Submission:

GeneDx
Classification: Uncertain significance. Last evaluated: 2024-09-13. Review status: criteria provided, single submitter. Criteria: GeneDx Variant Classification Process June 2021. Collection method: clinical testing. Allele origin: germline. Affected: yes.
Comment: Not observed at significant frequency in large population cohorts (gnomAD); In silico analysis supports that this missense variant has a deleterious effect on protein structure/function; Has not been previously published as pathogenic or benign to our knowledge

NM_001377299.1(NDUFS2):c.431T>C (p.Met144Thr)

Gene: NDUFS2 (NADH:ubiquinone oxidoreductase core subunit S2; plus strand). Cytogenetic location: 1q23.3.
Variant type: single nucleotide variant.
Coding change: c.431T>C on transcript NM_001377299.1 (MANE Select); coding-DNA position 431, T replaced by C.
Protein change: p.Met144Thr; replaces methionine 144 with threonine.
Molecular consequence: missense variant. On other transcripts: non-coding transcript variant (1).
Genome position (GRCh38, 1-based): chr1:161,209,230, T>C. VCF-style: chr1-161209230-T-C. GRCh37 (hg19) VCF-style: chr1-161179020-T-C.
Other names: c.431T>C, p.Met144Thr (NM_001166159.2, NM_001377298.1, NM_001377300.1 and 4 more transcripts); short protein forms M144T.
Identifiers: ClinVar variation 3770125 (VCV003770125.1).